The following is an entry in ClinVar:

NM_000055.4(BCHE):c.1171_1174dup (p.Phe392Ter)

Gene: BCHE (butyrylcholinesterase; minus strand). Cytogenetic location: 3q26.1.
Variant type: Microsatellite.
Coding change: c.1171_1174dup on transcript NM_000055.4 (MANE Select); coding-DNA positions 1171 to 1174, 4 bases duplicated (GAGT; older notation c.1171_1174dupGAGT).
Protein change: p.Phe392Ter; replaces phenylalanine 392 with a stop codon.
Molecular consequence: nonsense. On other transcripts: non-coding transcript variant (1).
Genome position (GRCh38, 1-based): chr3:165,829,860-165,829,863, ACTC duplicated on the plus strand (GAGT on the coding strand, the reverse complement: BCHE is on the minus strand); duplicating any 4 consecutive bases within chr3:165,829,860-165,829,871 gives the same sequence; the c. name uses the placement nearest the transcript's 3' end. VCF-style (leftmost placement, unchanged base first): chr3-165829859-A-AACTC. GRCh37 (hg19) VCF-style: chr3-165547647-A-AACTC.
Other names: short protein forms F392*.
Identifiers: ClinVar variation 2501206 (VCV002501206.1), dbSNP rs759679732, ClinGen allele CA2580616004.
Genomic context (GRCh38, chr3:165,829,859, plus strand): 5'-TTTTCAGGTCTCTGATCATCTACCCAGTCTGTGTAATGAAAAAGGATGGATTCCTTTCCA[A>AACTC]ACTCACTCACTCCTGGAAAAAATATTTTTAAACCTTCCTGAAATTCTTTTCTAGTTATGA-3'

ClinVar aggregate classification (germline): Likely pathogenic (1 of 4 stars; one submission).

Conditions:
Deficiency of butyrylcholinesterase (BCHED). Also called: Butyrylcholinesterase deficiency; BCHE, silent 1; Acholinesterasemia; Deficiency of butyrylcholine esterase. Identifiers: Orphanet 132, MedGen C1283400, MONDO:0015270, OMIM 617936.

Submission:

Women's Health and Genetics/Laboratory Corporation of America, LabCorp
Classification: Likely pathogenic for Deficiency of butyrylcholinesterase. Last evaluated: 2023-03-14. Review status: criteria provided, single submitter. Criteria: LabCorp Variant Classification Summary - May 2015. Collection method: clinical testing. Allele origin: germline.
Comment: Variant summary: BCHE c.1171_1174dupGAGT (p.Phe392X) results in a premature termination codon, predicted to cause a truncation of the encoded protein or absence of the protein due to nonsense mediated decay, which are commonly known mechanisms for disease. The variant was absent in 249746 control chromosomes (gnomAD). To our knowledge, no occurrence of c.1171_1174dupGAGT in individuals affected with Deficiency Of Butyrylcholine Esterase and no experimental evidence demonstrating its impact on protein function have been reported. No clinical diagnostic laboratories have submitted clinical-significance assessments for this variant to ClinVar after 2014. Based on the evidence outlined above, the variant was classified as likely pathogenic.